The following is an entry in ClinVar:

NM_001270974.2(HYDIN):c.6549C>G (p.Leu2183=)

Gene: HYDIN (HYDIN axonemal central pair apparatus protein; minus strand). Cytogenetic location: 16q22.2.
Variant type: single nucleotide variant.
Coding change: c.6549C>G on transcript NM_001270974.2 (MANE Select); coding-DNA position 6549, C replaced by G.
Protein change: p.Leu2183=; no amino-acid change (leucine 2183 retained).
Molecular consequence: synonymous variant.
Genome position (GRCh38, 1-based): chr16:70,943,932, G>C on the plus strand (C>G on the coding strand, the complement: HYDIN is on the minus strand). VCF-style: chr16-70943932-G-C. GRCh37 (hg19) VCF-style: chr16-70977835-G-C.
Identifiers: ClinVar variation 2646756 (VCV002646756.24), dbSNP rs1365893478, ClinGen allele CA496246921.

ClinVar aggregate classification (germline): Likely benign (1 of 4 stars; one submission).

Allele frequency attached by ClinVar (database versions not stated): TOPMed below 0.00001; gnomAD 0.00001.
gnomAD v4.1: 3 of 1,608,416 alleles (0.00019%); highest among the groups gnomAD compares: South Asian, 0.0022%; no homozygotes.

Submission:

CeGaT Center for Human Genetics Tuebingen
Classification: Likely benign. Last evaluated: 2022-09-01. Review status: criteria provided, single submitter. Criteria: CeGaT Center For Human Genetics Tuebingen Variant Classification Criteria Version 2. Collection method: clinical testing. Allele origin: germline. Affected: yes. Observed: 1 variant allele.
Comment: HYDIN: BP4, BP7